The following is an entry in ClinVar:

ClinVar aggregate classification (germline): Benign/Likely benign. Review status: criteria provided, multiple submitters, no conflicts (2 of 4 stars). 3 submissions from 3 submitters: Benign (1); Likely benign (2). Last evaluated 2025-03-17.

Conditions:
Hereditary cancer-predisposing syndrome. Also called: Tumor predisposition; Neoplastic Syndromes, Hereditary; Hereditary Cancer Syndrome; Hereditary neoplastic syndrome. Identifiers: Orphanet 140162, MedGen C0027672, MeSH D009386, MONDO:0015356.
Pheochromocytoma/paraganglioma syndrome 3. Also called: GLOMUS TUMORS, FAMILIAL, 3; Paragangliomas 3; SDHC-Related Hereditary Paraganglioma-Pheochromocytoma Syndrome (Paragangliomas 3); SDHC-Related Hereditary Paraganglioma-Pheochromocytoma Syndrome. Identifiers: Orphanet 29072, MedGen C1854336, MONDO:0011544, OMIM 605373.
Gastrointestinal stromal tumor. Also called: Gastrointestinal stromal tumor, somatic; Gastrointestinal stroma tumor. Identifiers: Orphanet 44890, MedGen C0238198, MeSH D046152, MONDO:0011719, OMIM 606764, HP:0100723.

Allele frequency attached by ClinVar (database versions not stated): gnomAD exomes 0.00001.
gnomAD v4.1: 12 of 1,611,278 alleles (0.00074%); highest among the groups gnomAD compares: Non-Finnish European, 0.001%; no homozygotes.

Submissions (3):

Myriad Genetics, Inc.
Classification: Benign for Pheochromocytoma/paraganglioma syndrome 3. Last evaluated: 2025-03-17. Review status: criteria provided, single submitter. Criteria: Myriad Autosomal Dominant, Autosomal Recessive and X-Linked Classification Criteria (2023). Collection method: clinical testing. Allele origin: unknown.
Comment: This variant is considered benign. This variant is a silent/synonymous amino acid change and it is not expected to impact splicing.

Labcorp Genetics (formerly Invitae), Labcorp
Classification: Likely benign for Pheochromocytoma/paraganglioma syndrome 3; Gastrointestinal stromal tumor. Last evaluated: 2024-04-24. Review status: criteria provided, single submitter. Criteria: Invitae Variant Classification Sherloc (09022015). Collection method: clinical testing. Allele origin: germline.

Ambry Genetics
Classification: Likely benign for Hereditary cancer-predisposing syndrome. Last evaluated: 2022-05-17. Review status: criteria provided, single submitter. Criteria: Ambry Variant Classification Scheme 2023. Collection method: clinical testing. Allele origin: germline.

NM_003001.5(SDHC):c.456A>C (p.Gly152=)

Gene: SDHC (succinate dehydrogenase complex subunit C; plus strand). Cytogenetic location: 1q23.3.
Variant type: single nucleotide variant.
Coding change: c.456A>C on transcript NM_003001.5 (MANE Select); coding-DNA position 456, A replaced by C.
Protein change: p.Gly152=; no amino-acid change (glycine 152 retained).
Molecular consequence: synonymous variant. On other transcripts: missense variant (3), non-coding transcript variant (1).
Genome position (GRCh38, 1-based): chr1:161,362,379, A>C. VCF-style: chr1-161362379-A-C. GRCh37 (hg19) VCF-style: chr1-161332169-A-C.
Other names: c.292A>C, p.Ser98Arg (NM_001035511.3); c.354A>C, p.Gly118= (NM_001035512.3); c.297A>C, p.Gly99= (NM_001035513.3); c.190A>C, p.Ser64Arg (NM_001278172.3); c.576A>C, p.Gly192= (NM_001407115.1); c.399A>C, p.Gly133= (NM_001407116.1); c.393A>C, p.Gly131= (NM_001407117.1); c.348A>C, p.Gly116= (NM_001407118.1); and 2 more; short protein forms S64R, S98R, S79R.
Identifiers: ClinVar variation 1563319 (VCV001563319.12), dbSNP rs886251473, ClinGen allele CA31438917.